The following is an entry in ClinVar:

ClinVar aggregate classification (germline): Likely pathogenic (1 of 4 stars; one submission).

Conditions:
Centromeric instability of chromosomes 1,9 and 16 and immunodeficiency (ICF1). Also called: CENTROMERIC INSTABILITY, IMMUNODEFICIENCY SYNDROME; Immunodeficiency-centromeric instability-facial anomalies; IMMUNE DEFICIENCY, VARIABLE, WITH CENTROMERIC INSTABILITY OF CHROMOSOMES 1, 9, AND 16; IMMUNODEFICIENCY SYNDROME, VARIABLE. Identifiers: Orphanet 2268, MedGen C0398788, MONDO:0000133.

Submission:

Labcorp Genetics (formerly Invitae), Labcorp
Classification: Likely pathogenic for Centromeric instability of chromosomes 1,9 and 16 and immunodeficiency. Last evaluated: 2023-05-16. Review status: criteria provided, single submitter. Criteria: Invitae Variant Classification Sherloc (09022015). Collection method: clinical testing. Allele origin: germline.
Comment: In summary, the currently available evidence indicates that the variant is pathogenic, but additional data are needed to prove that conclusively. Therefore, this variant has been classified as Likely Pathogenic. Algorithms developed to predict the effect of sequence changes on RNA splicing suggest that this variant may disrupt the consensus splice site. This variant has not been reported in the literature in individuals affected with DNMT3B-related conditions. This variant is not present in population databases (gnomAD no frequency). This sequence change affects an acceptor splice site in intron 5 of the DNMT3B gene. It is expected to disrupt RNA splicing. Variants that disrupt the donor or acceptor splice site typically lead to a loss of protein function (PMID: 16199547), and loss-of-function variants in DNMT3B are known to be pathogenic (PMID: 11102980).

Literature cited by the submitters: PubMed 16199547; PubMed 11102980.

NM_006892.4(DNMT3B):c.433-2A>G

Gene: DNMT3B (DNA methyltransferase 3 beta; plus strand). Cytogenetic location: 20q11.21.
Variant type: single nucleotide variant.
Coding change: c.433-2A>G on transcript NM_006892.4 (MANE Select); the canonical splice acceptor site of the intron before coding-DNA position 433, A replaced by G.
Molecular consequence: splice acceptor variant.
Genome position (GRCh38, 1-based): chr20:32,787,228, A>G. VCF-style: chr20-32787228-A-G. GRCh37 (hg19) VCF-style: chr20-31375034-A-G.
Other names: c.433-2A>G (NM_001424351.1, NM_001424355.1, NM_175848.2 and 2 more transcripts); c.307-2A>G (NM_001424352.1, NM_001424356.1, NM_001424358.1 and 3 more transcripts); c.205-2A>G (NM_001207056.2); c.469-2A>G (NM_175850.3, NM_001424359.1); c.343-2A>G (NM_001424360.1).
Identifiers: ClinVar variation 2996502 (VCV002996502.1), dbSNP rs2515519487, ClinGen allele CA408586415.